The following is an entry in ClinVar:

NM_002691.4(POLD1):c.412T>C (p.Cys138Arg)

Gene: POLD1 (DNA polymerase delta 1, catalytic subunit; plus strand). Cytogenetic location: 19q13.33.
Variant type: single nucleotide variant.
Coding change: c.412T>C on transcript NM_002691.4 (MANE Select); coding-DNA position 412, T replaced by C.
Protein change: p.Cys138Arg; replaces cysteine 138 with arginine.
Molecular consequence: missense variant. On other transcripts: non-coding transcript variant (1).
Genome position (GRCh38, 1-based): chr19:50,401,873, T>C. VCF-style: chr19-50401873-T-C. GRCh37 (hg19) VCF-style: chr19-50905130-T-C.
Other names: c.412T>C, p.Cys138Arg (NM_001256849.1, NM_001308632.1, NM_001438210.1 and 3 more transcripts); short protein forms C138R.
Identifiers: ClinVar variation 4825891 (VCV004825891.1).

ClinVar aggregate classification (germline): Uncertain significance (1 of 4 stars; one submission).

Conditions:
Hereditary cancer-predisposing syndrome. Also called: Neoplastic Syndromes, Hereditary; Tumor predisposition; Hereditary Cancer Syndrome; Hereditary neoplastic syndrome. Identifiers: Orphanet 140162, MedGen C0027672, MeSH D009386, MONDO:0015356.

Submission:

Ambry Genetics
Classification: Uncertain significance for Hereditary cancer-predisposing syndrome. Last evaluated: 2026-02-27. Review status: criteria provided, single submitter. Criteria: Ambry Variant Classification Scheme 2023. Collection method: clinical testing. Allele origin: germline.
Comment: The p.C138R variant (also known as c.412T>C), located in coding exon 3 of the POLD1 gene, results from a T to C substitution at nucleotide position 412. The cysteine at codon 138 is replaced by arginine, an amino acid with highly dissimilar properties. This amino acid position is conserved. In addition, the in silico prediction for this alteration is inconclusive. Based on the available evidence, the clinical significance of this variant remains unclear.